The following is an entry in ClinVar:

ClinVar aggregate classification (germline): Uncertain significance (1 of 4 stars; one submission).

Conditions:
Combined immunodeficiency due to LRBA deficiency. Also called: Common variable immunodeficiency 8, with autoimmunity. Identifiers: Orphanet 445018, MedGen C3553512, MONDO:0013863, OMIM 614700.

Allele frequency attached by ClinVar (database versions not stated): gnomAD exomes below 0.00001; TOPMed 0.00002.
gnomAD v4.1: 2 of 1,613,890 alleles (0.00012%); highest among the groups gnomAD compares: Non-Finnish European, 0.000085%; no homozygotes.

Submission:

Labcorp Genetics (formerly Invitae), Labcorp
Classification: Uncertain significance for Combined immunodeficiency due to LRBA deficiency. Last evaluated: 2019-05-06. Review status: criteria provided, single submitter. Criteria: Invitae Variant Classification Sherloc (09022015). Collection method: clinical testing. Allele origin: germline.
Comment: In summary, the available evidence is currently insufficient to determine the role of this variant in disease. Therefore, it has been classified as a Variant of Uncertain Significance. Algorithms developed to predict the effect of sequence changes on RNA splicing suggest that this variant may create or strengthen a splice site, but this prediction has not been confirmed by published transcriptional studies. Algorithms developed to predict the effect of missense changes on protein structure and function are either unavailable or do not agree on the potential impact of this missense change (SIFT: "Tolerated"; PolyPhen-2: "Probably Damaging"; Align-GVGD: "Class C0"). This variant has not been reported in the literature in individuals with LRBA-related conditions. This variant is not present in population databases (ExAC no frequency). This sequence change replaces isoleucine with valine at codon 886 of the LRBA protein (p.Ile886Val). The isoleucine residue is weakly conserved and there is a small physicochemical difference between isoleucine and valine.

NM_001364905.1(LRBA):c.2656A>G (p.Ile886Val)

Gene: LRBA (LPS responsive beige-like anchor protein; minus strand). Cytogenetic location: 4q31.3.
Variant type: single nucleotide variant.
Coding change: c.2656A>G on transcript NM_001364905.1 (MANE Select); coding-DNA position 2656, A replaced by G.
Protein change: p.Ile886Val; replaces isoleucine 886 with valine.
Molecular consequence: missense variant.
Genome position (GRCh38, 1-based): chr4:150,867,781, T>C on the plus strand (A>G on the coding strand, the complement: LRBA is on the minus strand). VCF-style: chr4-150867781-T-C. GRCh37 (hg19) VCF-style: chr4-151788933-T-C.
Other names: c.2656A>G, p.Ile886Val (NM_006726.5, NM_001199282.3, NM_001367550.1); short protein forms I886V.
Identifiers: ClinVar variation 951567 (VCV000951567.7), dbSNP rs1040930207, ClinGen allele CA107830764.
Genomic context (GRCh38, chr4:150,867,781, plus strand): 5'-ACTCATATTTGACTGCATGGTAAAGCAGGATTCTGAATATGGCGTATACCATTTCTGTTA[T>C]CTTTTGCTCATCTGAATTCTTAGGATTAAAATAGCAGAGAGAAAGCATCCATTCTTGCCA-3'
Protein context (NP_001351834.1, residues 876-896): FNPKNSDEQK[Ile886Val]TEMVYAIFRI